The following is an entry in ClinVar:

ClinVar aggregate classification (germline): Uncertain significance (1 of 4 stars; one submission).

Conditions:
Developmental and epileptic encephalopathy, 31A. Also called: Epileptic encephalopathy, early infantile, 31; Developmental and epileptic encephalopathy, 31. Identifiers: Orphanet 2382, MedGen C4225357, MONDO:0014598, OMIM 616346.

Submission:

Labcorp Genetics (formerly Invitae), Labcorp
Classification: Uncertain significance for Developmental and epileptic encephalopathy, 31A. Last evaluated: 2024-10-04. Review status: criteria provided, single submitter. Criteria: Invitae Variant Classification Sherloc (09022015). Collection method: clinical testing. Allele origin: germline.
Comment: This sequence change replaces serine, which is neutral and polar, with leucine, which is neutral and non-polar, at codon 834 of the DNM1 protein (p.Ser834Leu). This variant is not present in population databases (gnomAD no frequency). This variant has not been reported in the literature in individuals affected with DNM1-related conditions. Invitae Evidence Modeling of protein sequence and biophysical properties (such as structural, functional, and spatial information, amino acid conservation, physicochemical variation, residue mobility, and thermodynamic stability) indicates that this missense variant is not expected to disrupt DNM1 protein function with a negative predictive value of 95%. In summary, the available evidence is currently insufficient to determine the role of this variant in disease. Therefore, it has been classified as a Variant of Uncertain Significance.

NM_004408.4(DNM1):c.2501C>T (p.Ser834Leu)

Gene: DNM1 (dynamin 1; plus strand). Cytogenetic location: 9q34.11.
Variant type: single nucleotide variant.
Coding change: c.2501C>T on transcript NM_004408.4 (MANE Select); coding-DNA position 2501, C replaced by T.
Protein change: p.Ser834Leu; replaces serine 834 with leucine.
Molecular consequence: missense variant.
Genome position (GRCh38, 1-based): chr9:128,250,907, C>T. VCF-style: chr9-128250907-C-T. GRCh37 (hg19) VCF-style: chr9-131013186-C-T.
Other names: c.2501C>T, p.Ser834Leu (NM_001005336.3, NM_001288737.2, NM_001288738.2 and 2 more transcripts); short protein forms S834L.
Identifiers: ClinVar variation 3691053 (VCV003691053.2).